The following is an entry in ClinVar:

ClinVar aggregate classification (germline): Uncertain significance (1 of 4 stars; one submission).

Conditions:
Pyridoxine-dependent epilepsy (EPEO4). Also called: Pyridoxine-Dependent Seizures; Pyridoxine-Dependent Epilepsy - ALDH7A1; PYRIDOXINE DEPENDENCY WITH SEIZURES; EPILEPSY, EARLY-ONSET, 4, VITAMIN B6-DEPENDENT. Identifiers: Orphanet 3006, MedGen C1849508, MONDO:0009945, OMIM 266100. Disease mechanism: loss of function.

Allele frequency attached by ClinVar (database versions not stated): ExAC 0.00001; gnomAD 0.00001; gnomAD exomes 0.00002.
gnomAD v4.1: 14 of 1,613,284 alleles (0.00087%); highest among the groups gnomAD compares: South Asian, 0.013%; no homozygotes.

Submission:

Labcorp Genetics (formerly Invitae), Labcorp
Classification: Uncertain significance for Pyridoxine-dependent epilepsy. Last evaluated: 2021-08-27. Review status: criteria provided, single submitter. Criteria: Invitae Variant Classification Sherloc (09022015). Collection method: clinical testing. Allele origin: germline.
Comment: This sequence change replaces valine with isoleucine at codon 347 of the ALDH7A1 protein (p.Val347Ile). The valine residue is highly conserved and there is a small physicochemical difference between valine and isoleucine. This variant is present in population databases (rs757087792, ExAC 0.006%). This variant has not been reported in the literature in individuals affected with ALDH7A1-related conditions. Advanced modeling of protein sequence and biophysical properties (such as structural, functional, and spatial information, amino acid conservation, physicochemical variation, residue mobility, and thermodynamic stability) performed at Invitae indicates that this missense variant is not expected to disrupt ALDH7A1 protein function. In summary, the available evidence is currently insufficient to determine the role of this variant in disease. Therefore, it has been classified as a Variant of Uncertain Significance.

NM_001182.5(ALDH7A1):c.1039G>A (p.Val347Ile)

Gene: ALDH7A1 (aldehyde dehydrogenase 7 family member A1; minus strand). Cytogenetic location: 5q23.2.
Variant type: single nucleotide variant.
Coding change: c.1039G>A on transcript NM_001182.5 (MANE Select); coding-DNA position 1039, G replaced by A.
Protein change: p.Val347Ile; replaces valine 347 with isoleucine.
Molecular consequence: missense variant. On other transcripts: intron variant (1).
Genome position (GRCh38, 1-based): chr5:126,555,985, C>T on the plus strand (G>A on the coding strand, the complement: ALDH7A1 is on the minus strand). VCF-style: chr5-126555985-C-T. GRCh37 (hg19) VCF-style: chr5-125891677-C-T.
Other names: c.955G>A, p.Val319Ile (NM_001201377.2); c.1008+3255G>A (NM_001202404.2); short protein forms V319I, V347I.
Identifiers: ClinVar variation 1477584 (VCV001477584.5), dbSNP rs757087792, ClinGen allele CA3389552.